The following is an entry in ClinVar:

ClinVar aggregate classification (germline): Pathogenic (1 of 4 stars; one submission).

Conditions:
Deficiency of galactokinase. Also called: Galactokinase deficiency with cataracts; GALACTOSEMIA II. Identifiers: Orphanet 352, Orphanet 79237, MedGen C0268155, MONDO:0009255, OMIM 230200.

Submission:

Labcorp Genetics (formerly Invitae), Labcorp
Classification: Pathogenic for Deficiency of galactokinase. Last evaluated: 2024-01-20. Review status: criteria provided, single submitter. Criteria: Invitae Variant Classification Sherloc (09022015). Collection method: clinical testing. Allele origin: germline.
Comment: This sequence change creates a premature translational stop signal (p.Arg68Profs*13) in the GALK1 gene. It is expected to result in an absent or disrupted protein product. Loss-of-function variants in GALK1 are known to be pathogenic (PMID: 7670469, 10790206). This variant is not present in population databases (gnomAD no frequency). This variant has not been reported in the literature in individuals affected with GALK1-related conditions. For these reasons, this variant has been classified as Pathogenic.

Literature cited by the submitters: PubMed 7670469; PubMed 10790206.

NM_000154.2(GALK1):c.202dup (p.Arg68fs)

Gene: GALK1 (galactokinase 1; minus strand). Cytogenetic location: 17q25.1.
Variant type: Duplication.
Coding change: c.202dup on transcript NM_000154.2 (MANE Select); coding-DNA position 202, one base duplicated (C; older notation c.202dupC).
Protein change: p.Arg68fs; shifts the reading frame from arginine 68.
Molecular consequence: frameshift variant.
Genome position (GRCh38, 1-based): chr17:75,764,050, G duplicated on the plus strand (C on the coding strand, the reverse complement: GALK1 is on the minus strand); the first of 5 consecutive G bases (chr17:75,764,050-75,764,054); duplicating any one gives the same sequence. VCF-style (leftmost placement, unchanged base first): chr17-75764049-C-CG. GRCh37 (hg19) VCF-style: chr17-73760130-C-CG.
Other names: c.202dup, p.Arg68fs (NM_001381985.1); short protein forms R68fs.
Identifiers: ClinVar variation 2888331 (VCV002888331.3), dbSNP rs1422073677, ClinGen allele CA775081658.